The following is an entry in ClinVar:

NM_005149.3(TBX19):c.455A>G (p.Asn152Ser)

Gene: TBX19 (T-box transcription factor 19; plus strand). Cytogenetic location: 1q24.2.
Variant type: single nucleotide variant.
Coding change: c.455A>G on transcript NM_005149.3 (MANE Select); coding-DNA position 455, A replaced by G.
Protein change: p.Asn152Ser; replaces asparagine 152 with serine.
Molecular consequence: missense variant.
Genome position (GRCh38, 1-based): chr1:168,291,411, A>G. VCF-style: chr1-168291411-A-G. GRCh37 (hg19) VCF-style: chr1-168260649-A-G.
Other names: c.455A>G (NM_005149.2); short protein forms N152S.
Identifiers: ClinVar variation 2416655 (VCV002416655.8), dbSNP rs756353479, ClinGen allele CA1230477.
Genomic context (GRCh38, chr1:168,291,411, plus strand): 5'-GGGCCCACTGGATGAAAGCTCCCATCTCCTTCAGCAAAGTGAAGCTGACCAACAAGCTCA[A>G]TGGAGGCGGGCAGGTACGAATGAGGCGGGCAGGCCTGGCCACCCGCTCCGGCCTCCCCAC-3'
Protein context (NP_005140.1, residues 142-162): FSKVKLTNKL[Asn152Ser]GGGQIMLNSL

ClinVar aggregate classification (germline): Uncertain significance. Review status: criteria provided, multiple submitters, no conflicts (2 of 4 stars). 2 submissions from 2 submitters: Uncertain significance (2). Last evaluated 2025-06-06.

Conditions:
Inborn genetic diseases. Identifiers: MedGen C0950123, MeSH D030342.

Allele frequency attached by ClinVar (database versions not stated): ExAC 0.00004; TOPMed 0.00005; gnomAD 0.00006; gnomAD exomes 0.00007.
gnomAD v4.1: 105 of 1,613,994 alleles (0.0065%); highest among the groups gnomAD compares: Admixed American, 0.037%; no homozygotes.

Submissions (2):

Ambry Genetics
Classification: Uncertain significance for Inborn genetic diseases. Last evaluated: 2025-06-06. Review status: criteria provided, single submitter. Criteria: Ambry Variant Classification Scheme 2023. Collection method: clinical testing. Allele origin: germline.

Labcorp Genetics (formerly Invitae), Labcorp
Classification: Uncertain significance. Last evaluated: 2022-05-06. Review status: criteria provided, single submitter. Criteria: Invitae Variant Classification Sherloc (09022015). Collection method: clinical testing. Allele origin: germline.
Comment: This sequence change replaces asparagine, which is neutral and polar, with serine, which is neutral and polar, at codon 152 of the TBX19 protein (p.Asn152Ser). This variant is present in population databases (rs756353479, gnomAD 0.03%). This variant has not been reported in the literature in individuals affected with TBX19-related conditions. Algorithms developed to predict the effect of missense changes on protein structure and function output the following: SIFT: "Tolerated"; PolyPhen-2: "Benign"; Align-GVGD: "Class C0". The serine amino acid residue is found in multiple mammalian species, which suggests that this missense change does not adversely affect protein function. In summary, the available evidence is currently insufficient to determine the role of this variant in disease. Therefore, it has been classified as a Variant of Uncertain Significance.